The following is an entry in ClinVar:

NM_004076.5(CRYBB3):c.502G>A (p.Gly168Arg)

Gene: CRYBB3 (crystallin beta B3; plus strand). Cytogenetic location: 22q11.23.
Variant type: single nucleotide variant.
Coding change: c.502G>A on transcript NM_004076.5 (MANE Select); coding-DNA position 502, G replaced by A.
Protein change: p.Gly168Arg; replaces glycine 168 with arginine.
Molecular consequence: missense variant.
Genome position (GRCh38, 1-based): chr22:25,207,078, G>A. VCF-style: chr22-25207078-G-A. GRCh37 (hg19) VCF-style: chr22-25603045-G-A.
Other names: short protein forms G168R.
Identifiers: ClinVar variation 4085284 (VCV004085284.8).

ClinVar aggregate classification (germline): Uncertain significance (1 of 4 stars; one submission).

Submission:

CeGaT Center for Human Genetics Tuebingen
Classification: Uncertain significance. Last evaluated: 2025-06-01. Review status: criteria provided, single submitter. Criteria: CeGaT Center For Human Genetics Tuebingen Variant Classification Criteria Version 2. Collection method: clinical testing. Allele origin: germline. Affected: yes. Observed: 1 variant allele.
Comment: CRYBB3: PM2